The following is an entry in ClinVar:

ClinVar aggregate classification (germline): Uncertain significance (1 of 4 stars; one submission).

Submission:

ISCA site 14
Classification: Uncertain significance. Last evaluated: 2011-08-12. Review status: criteria provided, single submitter. Criteria: Kaminsky et al. (Genet Med. 2011). Collection method: clinical testing. Allele origin: maternal. Affected: yes. Observed: 1 variant allele.
Comment: Copy number variation identified through the course of routine clinical cytogenomic testing in postnatal populations. Clinical assertions have been curated as described in Kaminsky et al. 2011.

GRCh38/hg38 Xp22.2(chrX:11240104-11903527)x3

Genes: AMELX (amelogenin X-linked; plus strand), ARHGAP6 (Rho GTPase activating protein 6; minus strand), FRMPD4 (FERM and PDZ domain containing 4; plus strand), MIR548AX (microRNA 548ax; minus strand), MSL3 (MSL complex subunit 3; plus strand) and 10 more. Cytogenetic location: Xp22.2.
Variant type: copy number gain.
Change: copy number 3 of chrX:11,240,104-11,903,527 (663.4 kb, GRCh38 coordinates, 1-based), cytogenetic band Xp22.2.
Identifiers: ClinVar variation 60267 (VCV000060267.1).